The following is an entry in ClinVar:

NM_020987.5(ANK3):c.6777C>T (p.Gly2259=)

Genes: ANK3 (ankyrin 3; minus strand), LOC130003862 (ATAC-STARR-seq lymphoblastoid active region 3393; plus strand). Cytogenetic location: 10q21.2.
Variant type: single nucleotide variant.
Coding change: c.6777C>T on transcript NM_020987.5 (MANE Select); coding-DNA position 6777, C replaced by T.
Protein change: p.Gly2259=; no amino-acid change (glycine 2259 retained).
Molecular consequence: synonymous variant. On other transcripts: intron variant (4).
Genome position (GRCh38, 1-based): chr10:60,074,104, G>A on the plus strand (C>T on the coding strand, the complement: ANK3 is on the minus strand). VCF-style: chr10-60074104-G-A. GRCh37 (hg19) VCF-style: chr10-61833862-G-A.
Other names: c.4388-6095C>T (NM_001204403.2); c.4409-6095C>T (NM_001204404.2); c.4406-6095C>T (NM_001320874.2); c.1808-6095C>T (NM_001149.4).
Identifiers: ClinVar variation 1901643 (VCV001901643.19), dbSNP rs375743828, ClinGen allele CA5511816.

ClinVar aggregate classification (germline): Likely benign. Review status: criteria provided, multiple submitters, no conflicts (2 of 4 stars). 2 submissions from 2 submitters: Likely benign (2). Last evaluated 2025-04-01.

gnomAD v4.1: 33 of 1,613,812 alleles (0.002%); highest among the groups gnomAD compares: Admixed American, 0.02%; no homozygotes.

Submissions (2):

CeGaT Center for Human Genetics Tuebingen
Classification: Likely benign. Last evaluated: 2025-04-01. Review status: criteria provided, single submitter. Criteria: CeGaT Center For Human Genetics Tuebingen Variant Classification Criteria Version 2. Collection method: clinical testing. Allele origin: germline. Affected: yes. Observed: 2 variant alleles.
Comment: ANK3: BP4, BP7

Labcorp Genetics (formerly Invitae), Labcorp
Classification: Likely benign. Last evaluated: 2022-08-10. Review status: criteria provided, single submitter. Criteria: Invitae Variant Classification Sherloc (09022015). Collection method: clinical testing. Allele origin: germline.